The following is an entry in ClinVar:

NM_001378743.1(CYLD):c.*3469T>C

Genes: CYLD (CYLD lysine 63 deubiquitinase; plus strand), CYLD-AS2 (CYLD antisense RNA 2; minus strand). Cytogenetic location: 16q12.1.
Variant type: single nucleotide variant.
Coding change: c.*3469T>C on transcript NM_001378743.1 (MANE Select); 3469 bases downstream of the stop codon, T replaced by C.
Molecular consequence: 3 prime UTR variant. On other transcripts: non-coding transcript variant (1).
Genome position (GRCh38, 1-based): chr16:50,799,977, T>C. VCF-style: chr16-50799977-T-C. GRCh37 (hg19) VCF-style: chr16-50833888-T-C.
Other names: c.*3469T>C (NM_001042355.2, NM_001042412.3, NM_001378744.1 and 12 more transcripts).
Identifiers: ClinVar variation 319553 (VCV000319553.29), dbSNP rs111951225, ClinGen allele CA10637915.

ClinVar aggregate classification (germline): Benign. Review status: criteria provided, multiple submitters, no conflicts (2 of 4 stars). 4 submissions from 2 submitters: Benign (4). Last evaluated 2024-05-01.

Conditions:
Familial cylindromatosis. Also called: Turban tumor syndrome; ANCELL-SPIEGLER CYLINDROMAS. Identifiers: Orphanet 211, Orphanet 79493, MedGen C1851526, MONDO:0007565, OMIM 132700.
Brooke-Spiegler syndrome. Also called: CYLD Cutaneous Syndrome. Identifiers: Orphanet 79493, MedGen C1857941, MONDO:0011512, OMIM 605041.
Familial multiple trichoepitheliomata. Also called: Familial multiple trichoepithelioma. Identifiers: Orphanet 79493, Orphanet 867, MedGen C1275122, MONDO:0011114.

Allele frequency attached by ClinVar (database versions not stated): 1000 Genomes Project 0.00180; 1000 Genomes Project 30x 0.00203; gnomAD 0.00565 and 0.00586; TOPMed 0.00593; gnomAD exomes 0.00744.
gnomAD v4.1: 1,466 of 233,130 alleles (0.63%); highest among the groups gnomAD compares: Non-Finnish European, 0.95%; 4 homozygotes.

Submissions (4):

CeGaT Center for Human Genetics Tuebingen
Classification: Benign. Last evaluated: 2024-05-01. Review status: criteria provided, single submitter. Criteria: CeGaT Center For Human Genetics Tuebingen Variant Classification Criteria Version 2. Collection method: clinical testing. Allele origin: germline. Affected: yes. Observed: 5 variant alleles.
Comment: CYLD: BS1, BS2

Illumina Laboratory Services, Illumina
Classification: Benign for Familial cylindromatosis. Last evaluated: 2018-01-12. Review status: criteria provided, single submitter. Criteria: ICSL Variant Classification Criteria 13 December 2019. Collection method: clinical testing. Allele origin: germline.
Comment: This variant was observed in the ICSL laboratory as part of a predisposition screen in an ostensibly healthy population. It had not been previously curated by ICSL or reported in the Human Gene Mutation Database (HGMD: prior to June 1st, 2018), and was therefore a candidate for classification through an automated scoring system. Utilizing variant allele frequency, disease prevalence and penetrance estimates, and inheritance mode, an automated score was calculated to assess if this variant is too frequent to cause the disease. Based on the score and internal cut-off values, a variant classified as benign is not then subjected to further curation. The score for this variant resulted in a classification of benign for this disease.

Illumina Laboratory Services, Illumina
Classification: Benign for Trichoepithelioma, multiple familial, 1. Last evaluated: 2018-01-12. Review status: criteria provided, single submitter. Criteria: ICSL Variant Classification Criteria 13 December 2019. Collection method: clinical testing. Allele origin: germline.
Comment: the same text as in the submission from Illumina Laboratory Services, Illumina above.

Illumina Laboratory Services, Illumina
Classification: Benign for Brooke-Spiegler syndrome. Last evaluated: 2018-01-12. Review status: criteria provided, single submitter. Criteria: ICSL Variant Classification Criteria 13 December 2019. Collection method: clinical testing. Allele origin: germline.
Comment: the same text as in the submission from Illumina Laboratory Services, Illumina above.